The following is an entry in ClinVar:

NM_182961.4(SYNE1):c.4732C>T (p.Pro1578Ser)

Gene: SYNE1 (spectrin repeat containing nuclear envelope protein 1; minus strand). Cytogenetic location: 6q25.2.
Variant type: single nucleotide variant.
Coding change: c.4732C>T on transcript NM_182961.4 (MANE Select); coding-DNA position 4732, C replaced by T.
Protein change: p.Pro1578Ser; replaces proline 1578 with serine.
Molecular consequence: missense variant.
Genome position (GRCh38, 1-based): chr6:152,430,168, G>A on the plus strand (C>T on the coding strand, the complement: SYNE1 is on the minus strand). VCF-style: chr6-152430168-G-A. GRCh37 (hg19) VCF-style: chr6-152751303-G-A.
Other names: p.Pro1585Ser; c.4753C>T, p.Pro1585Ser (NM_033071.5); short protein forms P1578S, P1585S.
Identifiers: ClinVar variation 288391 (VCV000288391.49), dbSNP rs199769508, ClinGen allele CA4058479.

ClinVar aggregate classification (germline): Conflicting classifications of pathogenicity. Review status: criteria provided, conflicting classifications (1 of 4 stars). 9 submissions from 9 submitters: Uncertain significance (8); Benign (1). Last evaluated 2025-06-16.

Conditions:
Emery-Dreifuss muscular dystrophy 4, autosomal dominant (EDMD4). Also called: EMERY-DREIFUSS MUSCULAR DYSTROPHY 4 WITH VARIABLE FEATURES. Identifiers: Orphanet 261, MedGen C2751807, MONDO:0013071, OMIM 612998.
Autosomal recessive ataxia, Beauce type. Also called: SYNE1 Deficiency; SYNE1-Related Autosomal Recessive Cerebellar Ataxia; ATAXIA, RECESSIVE, OF BEAUCE; Spinocerebellar ataxia, autosomal recessive 8. Identifiers: Orphanet 88644, MedGen C1853116, MONDO:0012549, OMIM 610743.

Allele frequency attached by ClinVar (database versions not stated): ESP Exome Variant Server 0.00008; gnomAD exomes 0.00021; ExAC 0.00023; gnomAD 0.00032 and 0.00034; TOPMed 0.00043.
gnomAD v4.1: 560 of 1,604,872 alleles (0.035%); highest among the groups gnomAD compares: Non-Finnish European, 0.044%; 1 homozygote.

Submissions (9):

Revvity Omics, Revvity
Classification: Uncertain significance. Last evaluated: 2025-06-16. Review status: criteria provided, single submitter. Criteria: ACMG Guidelines, 2015. Collection method: clinical testing. Allele origin: germline.

Athena Diagnostics
Classification: Uncertain significance. Last evaluated: 2025-06-02. Review status: criteria provided, single submitter. Criteria: Athena Diagnostics Criteria. Collection method: clinical testing. Allele origin: unknown.
Comment: Available data are insufficient to determine the clinical significance of the variant at this time. The frequency of this variant in the general population is higher than would generally be expected for pathogenic variants in this gene. Polyphen and MutationTaster yielded discordant predictions regarding whether this amino acid change is damaging to the protein.

Labcorp Genetics (formerly Invitae), Labcorp
Classification: Uncertain significance for Emery-Dreifuss muscular dystrophy 4, autosomal dominant; Autosomal recessive ataxia, Beauce type. Last evaluated: 2025-01-06. Review status: criteria provided, single submitter. Criteria: Invitae Variant Classification Sherloc (09022015). Collection method: clinical testing. Allele origin: germline.
Comment: This sequence change replaces proline, which is neutral and non-polar, with serine, which is neutral and polar, at codon 1585 of the SYNE1 protein (p.Pro1585Ser). This variant is present in population databases (rs199769508, gnomAD 0.04%). This missense change has been observed in individual(s) with cerebellar ataxia and/or motor neuron disease (PMID: 27197992). In at least one individual the data is consistent with being in trans (on the opposite chromosome) from a pathogenic variant. This variant is also known as p.Pro1578Ser. ClinVar contains an entry for this variant (Variation ID: 288391). An algorithm developed to predict the effect of missense changes on protein structure and function (PolyPhen-2) suggests that this variant¬¨‚Ä†is likely to be tolerated. In summary, the available evidence is currently insufficient to determine the role of this variant in disease. Therefore, it has been classified as a Variant of Uncertain Significance.

Mayo Clinic Laboratories, Mayo Clinic
Classification: Uncertain significance. Last evaluated: 2024-03-27. Review status: criteria provided, single submitter. Criteria: ACMG Guidelines, 2015. Collection method: clinical testing. Allele origin: germline. Observed: 1 variant allele.
Comment: BP4

Women's Health and Genetics/Laboratory Corporation of America, LabCorp
Classification: Uncertain significance. Last evaluated: 2023-12-20. Review status: criteria provided, single submitter. Criteria: LabCorp Variant Classification Summary - May 2015. Collection method: clinical testing. Allele origin: germline.
Comment: Variant summary: SYNE1 c.4753C>T (p.Pro1585Ser) results in a non-conservative amino acid change in the encoded protein sequence. Three of five in-silico tools predict a benign effect of the variant on protein function. The variant allele was found at a frequency of 0.00035 in 1604872 control chromosomes in the gnomAD database, including 1 homozygotes. c.4753C>T has been reported in the literature in individuals affected with SYNE1-Related Disorders (Mademan_2016). These data do not allow any conclusion about variant significance. To our knowledge, no experimental evidence demonstrating an impact on protein function has been reported. The following publication have been ascertained in the context of this evaluation (PMID: 27197992). Seven submitters have cited clinical-significance assessments for this variant to ClinVar after 2014 and classified as VUS (n=6) and likely benign (n=1). Based on the evidence outlined above, the variant was classified as uncertain significance.

CeGaT Center for Human Genetics Tuebingen
Classification: Uncertain significance. Last evaluated: 2023-11-01. Review status: criteria provided, single submitter. Criteria: CeGaT Center For Human Genetics Tuebingen Variant Classification Criteria Version 2. Collection method: clinical testing. Allele origin: germline. Affected: yes. Observed: 1 variant allele.
Comment: SYNE1: PM2, PM3:Supporting, BP4

GeneDx
Classification: Uncertain significance. Last evaluated: 2021-06-16. Review status: criteria provided, single submitter. Criteria: GeneDx Variant Classification Process June 2021. Collection method: clinical testing. Allele origin: germline. Affected: yes.
Comment: In silico analysis supports that this missense variant has a deleterious effect on protein structure/function; This variant is associated with the following publications: (PMID: 30487145, 27178001, 27535533, 27197992)

Eurofins Ntd Llc (ga)
Classification: Uncertain significance. Last evaluated: 2017-09-08. Review status: criteria provided, single submitter. Criteria: EGL Classification Definitions 2015. Collection method: clinical testing. Allele origin: germline. Observed: 3 variant alleles, 3 heterozygotes.

Illumina Laboratory Services, Illumina
Classification: Benign for Emery-Dreifuss muscular dystrophy 4, autosomal dominant. Last evaluated: 2017-04-28. Review status: criteria provided, single submitter. Criteria: ICSL Variant Classification Criteria 13 December 2019. Collection method: clinical testing. Allele origin: germline.
Comment: This variant was observed as part of a predisposition screen in an ostensibly healthy population. A literature search was performed for the gene, cDNA change, and amino acid change (where applicable). No publications were found based on this search. Allele frequency data from public databases was too high to be consistent with this variant causing disease. Therefore, this variant is classified as benign.

Literature cited by the submitters: PubMed 30487145 (cited by Athena Diagnostics and Mayo Clinic Laboratories, Mayo Clinic); PubMed 27197992 (cited by 4 submitters).